The following is an entry in ClinVar:

ClinVar aggregate classification (germline): Pathogenic/Likely pathogenic. Review status: criteria provided, multiple submitters, no conflicts (2 of 4 stars). 3 submissions from 3 submitters: Pathogenic (1); Likely pathogenic (2). Last evaluated 2024-06-17.

Conditions:
Noonan syndrome 2 (NS2). Identifiers: Orphanet 648, MedGen C1854469, MONDO:0011531, OMIM 605275.
LZTR1-related schwannomatosis. Also called: Schwannomatosis 2; Schwannomatosis-2, susceptibility to. Identifiers: Orphanet 93921, MedGen C3810283, MONDO:0014299, OMIM 615670.
Noonan syndrome 10 (NS10). Identifiers: Orphanet 648, MedGen C4225280, MONDO:0014693, OMIM 616564.

gnomAD v4.1: 9 of 1,609,822 alleles (0.00056%); highest among the groups gnomAD compares: Admixed American, 0.0017%; no homozygotes.

Submissions (3):

Dasa
Classification: Likely pathogenic. Last evaluated: 2024-06-17. Review status: criteria provided, single submitter. Criteria: DASA Assertion Criteria. Collection method: clinical testing. Allele origin: germline.
Comment: NM_006767.4(LZTR1):c.494G>A (p.Trp165*) is a nonsense variant in LZTR1 predicted to introduce a premature termination codon and is predicted to result in an absent or altered protein product. Loss of function is an established disease mechanism for LZTR1-associated disorders. Also, this variant is rare in population databases. Based on the currently available evidence, this variant is classified as likely pathogenic.

Victorian Clinical Genetics Services, Murdoch Childrens Research Institute
Classification: Pathogenic for Noonan syndrome 2. Last evaluated: 2023-07-17. Review status: criteria provided, single submitter. Criteria: ACMG Guidelines, 2015. Collection method: clinical testing. Allele origin: germline. Inheritance: Autosomal recessive inheritance. Affected: no.
Comment: Based on the classification scheme VCGS_Germline_v1.3.4, this variant is classified as Pathogenic. Following criteria are met: 0102 - Loss of function is a known mechanism of disease in this gene and is associated with autosomal recessive Noonan syndrome 2 (MIM#605275). Dominant negative is the mechanism suspected for autosomal dominant Noonan syndrome 10 (MIM#616564). (I) 0108 - This gene is associated with both recessive and dominant disease. (I) 0201 - Variant is predicted to cause nonsense-mediated decay (NMD) and loss of protein (premature termination codon is located at least 54 nucleotides upstream of the final exon-exon junction). (SP) 0251 - This variant is heterozygous. (I) 0304 - Variant is present in gnomAD <0.01 (v2 + v3: 2 heterozygotes, 0 homozygotes). (SP) 0701 - Other NMD-predicted variants comparable to the one identified in this case have very strong previous evidence for pathogenicity (DECIPHER). (SP) 0807 - This variant has no previous evidence of pathogenicity. (I) 0905 - No published segregation evidence has been identified for this variant. (I) 1007 - No published functional evidence has been identified for this variant. (I) Legend: (SP) - Supporting pathogenic, (I) - Information, (SB) - Supporting benign

Juno Genomics, Hangzhou Juno Genomics, Inc
Classification: Likely pathogenic for LZTR1-related schwannomatosis; Noonan syndrome 2; Noonan syndrome 10. Review status: criteria provided, single submitter. Criteria: ACMG Guidelines, 2015. Collection method: clinical testing. Allele origin: germline.
Comment: Absent from controls (or at extremely low frequency if recessive) in Genome Aggregation Database.;Null variant in a gene where loss of function (LOF) is a known mechanism of disease.

NM_006767.4(LZTR1):c.494G>A (p.Trp165Ter)

Gene: LZTR1 (leucine zipper like post translational regulator 1; plus strand). Cytogenetic location: 22q11.21.
Variant type: single nucleotide variant.
Coding change: c.494G>A on transcript NM_006767.4 (MANE Select); coding-DNA position 494, G replaced by A.
Protein change: p.Trp165Ter; replaces tryptophan 165 with a stop codon.
Molecular consequence: nonsense.
Genome position (GRCh38, 1-based): chr22:20,988,103, G>A. VCF-style: chr22-20988103-G-A. GRCh37 (hg19) VCF-style: chr22-21342392-G-A.
Other names: short protein forms W165*.
Identifiers: ClinVar variation 3376752 (VCV003376752.5).